The following is an entry in ClinVar:

ClinVar aggregate classification (germline): Likely benign (1 of 4 stars; one submission).

Conditions:
EPHA2-related disorder. Also called: EPHA2-related condition.

gnomAD v4.1: 35 of 1,613,660 alleles (0.0022%); highest among the groups gnomAD compares: Middle Eastern, 0.016%; no homozygotes.

Submission:

PreventionGenetics, part of Exact Sciences
Classification: Likely benign for EPHA2-related condition. Last evaluated: 2026-06-05. Review status: criteria provided, single submitter. Criteria: ACMG Guidelines, 2015. Collection method: clinical testing. Allele origin: germline.
Comment: This variant is classified as likely benign based on ACMG/AMP sequence variant interpretation guidelines (Richards et al. 2015 PMID: 25741868, with internal and published modifications).

NM_004431.5(EPHA2):c.702C>T (p.Ala234=)

Gene: EPHA2 (EPH receptor A2; minus strand). Cytogenetic location: 1p36.13.
Variant type: single nucleotide variant.
Coding change: c.702C>T on transcript NM_004431.5 (MANE Select); coding-DNA position 702, C replaced by T.
Protein change: p.Ala234=; no amino-acid change (alanine 234 retained).
Molecular consequence: synonymous variant.
Genome position (GRCh38, 1-based): chr1:16,148,499, G>A on the plus strand (C>T on the coding strand, the complement: EPHA2 is on the minus strand). VCF-style: chr1-16148499-G-A. GRCh37 (hg19) VCF-style: chr1-16474994-G-A.
Other names: c.540C>T, p.Ala180= (NM_001329090.2).
Identifiers: ClinVar variation 4979396 (VCV004979396.1).